The following is an entry in ClinVar:

NC_000006.11:g.(?_65523251)_(65523490_?)del

Gene: EYS (eyes shut homolog; minus strand). Cytogenetic location: 6q12.
Variant type: Deletion.
Identifiers: ClinVar variation 3246091 (VCV003246091.1).

ClinVar aggregate classification (germline): Pathogenic (1 of 4 stars; one submission).

Submission:

Labcorp Genetics (formerly Invitae), Labcorp
Classification: Pathogenic. Last evaluated: 2022-07-19. Review status: criteria provided, single submitter. Criteria: Invitae Variant Classification Sherloc (09022015). Collection method: clinical testing. Allele origin: unknown.
Comment: For these reasons, this variant has been classified as Pathogenic. This variant has not been reported in the literature in individuals affected with EYS-related conditions. This variant is a gross deletion of the genomic region encompassing exon(s) 22 of the EYS gene. This deletion is out-of-frame, and is expected to create a premature termination codon and result in an absent or disrupted protein product. Loss-of-function variants in EYS are known to be pathogenic (PMID: 18836446, 20333770).

Literature cited by the submitters: PubMed 18836446; PubMed 20333770.